The following is an entry in ClinVar:

ClinVar aggregate classification (germline): Uncertain significance (1 of 4 stars; one submission).

Conditions:
Hereditary cancer-predisposing syndrome. Also called: Neoplastic Syndromes, Hereditary; Tumor predisposition; Hereditary neoplastic syndrome; Hereditary Cancer Syndrome. Identifiers: Orphanet 140162, MedGen C0027672, MeSH D009386, MONDO:0015356.

Submission:

Ambry Genetics
Classification: Uncertain significance for Hereditary cancer-predisposing syndrome. Last evaluated: 2026-07-07. Review status: criteria provided, single submitter. Criteria: Ambry Variant Classification Scheme 2023. Collection method: clinical testing. Allele origin: germline.
Comment: The p.C28W variant (also known as c.84C>G), located in coding exon 2 of the CDH1 gene, results from a C to G substitution at nucleotide position 84. The cysteine at codon 28 is replaced by tryptophan, an amino acid with highly dissimilar properties. This amino acid position is conserved. In addition, this alteration is predicted to be deleterious by in silico analysis. Based on the available evidence, the clinical significance of this variant remains unclear.

NM_004360.5(CDH1):c.84C>G (p.Cys28Trp)

Gene: CDH1 (cadherin 1; plus strand). Cytogenetic location: 16q22.1.
Variant type: single nucleotide variant.
Coding change: c.84C>G on transcript NM_004360.5 (MANE Select); coding-DNA position 84, C replaced by G.
Protein change: p.Cys28Trp; replaces cysteine 28 with tryptophan.
Molecular consequence: missense variant. On other transcripts: 5 prime UTR variant (2).
Genome position (GRCh38, 1-based): chr16:68,738,332, C>G. VCF-style: chr16-68738332-C-G. GRCh37 (hg19) VCF-style: chr16-68772235-C-G.
Other names: c.84C>G, p.Cys28Trp (NM_001317184.2); c.-1532C>G (NM_001317185.2); c.-1736C>G (NM_001317186.2); short protein forms C28W.
Identifiers: ClinVar variation 5033982 (VCV005033982.1).